The following is an entry in ClinVar:

ClinVar aggregate classification (germline): Pathogenic. Review status: criteria provided, multiple submitters, no conflicts (2 of 4 stars). 3 submissions from 3 submitters: Pathogenic (3). Last evaluated 2024-02-26.

Conditions:
Hereditary cancer-predisposing syndrome. Also called: Neoplastic Syndromes, Hereditary; Hereditary neoplastic syndrome; Tumor predisposition; Hereditary Cancer Syndrome. Identifiers: Orphanet 140162, MedGen C0027672, MeSH D009386, MONDO:0015356.
Ataxia-telangiectasia syndrome (AT). Also called: Ataxia telangiectasia (A-T); Cerebello-oculocutaneous telangiectasia; Immunodeficiency with ataxia telangiectasia; LOUIS-BAR SYNDROME; AT, COMPLEMENTATION GROUP C; ATAXIA-TELANGIECTASIA, FRESNO VARIANT. Identifiers: Orphanet 100, MedGen C0004135, MONDO:0008840, OMIM 208900.
Familial cancer of breast. Also called: hereditary breast carcinoma; Hereditary breast cancer; BREAST CANCER, FAMILIAL. Identifiers: Orphanet 227535, MedGen C0346153, MONDO:0016419, OMIM 114480. Disease mechanism: loss of function.

Submissions (3):

Labcorp Genetics (formerly Invitae), Labcorp
Classification: Pathogenic for Ataxia-telangiectasia syndrome. Last evaluated: 2024-02-26. Review status: criteria provided, single submitter. Criteria: Invitae Variant Classification Sherloc (09022015). Collection method: clinical testing. Allele origin: germline.
Comment: This sequence change creates a premature translational stop signal (p.Gln2220Argfs*15) in the ATM gene. It is expected to result in an absent or disrupted protein product. Loss-of-function variants in ATM are known to be pathogenic (PMID: 23807571, 25614872). This variant is not present in population databases (gnomAD no frequency). This variant has not been reported in the literature in individuals affected with ATM-related conditions. ClinVar contains an entry for this variant (Variation ID: 230507). Algorithms developed to predict the effect of sequence changes on RNA splicing suggest that this variant may create or strengthen a splice site. For these reasons, this variant has been classified as Pathogenic.

Myriad Genetics, Inc.
Classification: Pathogenic for Familial cancer of breast. Last evaluated: 2024-01-30. Review status: criteria provided, single submitter. Criteria: Myriad Autosomal Dominant, Autosomal Recessive and X-Linked Classification Criteria (2023). Collection method: clinical testing. Allele origin: unknown.
Comment: This variant is considered pathogenic. This variant creates a frameshift predicted to result in premature protein truncation.

Ambry Genetics
Classification: Pathogenic for Hereditary cancer-predisposing syndrome. Last evaluated: 2022-04-06. Review status: criteria provided, single submitter. Criteria: Ambry Variant Classification Scheme 2023. Collection method: clinical testing. Allele origin: germline.
Comment: The c.6657delT pathogenic mutation, located in coding exon 45 of the ATM gene, results from a deletion of one nucleotide at nucleotide position 6657, causing a translational frameshift with a predicted alternate stop codon (p.Q2220Rfs*15). This alteration is expected to result in loss of function by premature protein truncation or nonsense-mediated mRNA decay. As such, this alteration is interpreted as a disease-causing mutation.

Literature cited by the submitters: PubMed 23807571 (cited by Labcorp Genetics (formerly Invitae), Labcorp); PubMed 25614872 (cited by Labcorp Genetics (formerly Invitae), Labcorp).

NM_000051.4(ATM):c.6657del (p.Gln2220fs)

Genes: ATM (ATM serine/threonine kinase; plus strand), C11orf65 (chromosome 11 open reading frame 65; minus strand). Cytogenetic location: 11q22.3.
Variant type: Deletion.
Coding change: c.6657del on transcript NM_000051.4 (MANE Select); coding-DNA position 6657, one base deleted (T; older notation c.6657delT).
Protein change: p.Gln2220fs; shifts the reading frame from glutamine 2220.
Molecular consequence: frameshift variant. On other transcripts: intron variant (2).
Genome position (GRCh38, 1-based): chr11:108,325,394, T deleted; the last of 4 consecutive T bases (chr11:108,325,391-108,325,394); deleting any one gives the same sequence. VCF-style (leftmost placement, unchanged base first): chr11-108325390-GT-G. GRCh37 (hg19) VCF-style: chr11-108196117-GT-G.
Other names: c.6657del, p.Gln2220fs (NM_001351834.2); c.641-16320del (NM_001330368.2); c.*38+9829del (NM_001351110.2); short protein forms Q2220fs.
Identifiers: ClinVar variation 230507 (VCV000230507.12), dbSNP rs876658603, ClinGen allele CA10579230.
Genomic context (GRCh38, chr11:108,325,390, plus strand): 5'-TCTCTGAAGTATATATTAAGTGGCAGAAACACTCCCAGCTTCTCAAGGACAGTGATTTTA[GT>G]TTTCAGGAGCCTATCATGGCTCTACGCACAGTCATTTTGGAGATCCTGATGGAAAAGGAA-3'